The following is an entry in ClinVar:

ClinVar aggregate classification (germline): Uncertain significance (1 of 4 stars; one submission).

Submission:

Labcorp Genetics (formerly Invitae), Labcorp
Classification: Uncertain significance. Last evaluated: 2025-03-04. Review status: criteria provided, single submitter. Criteria: Invitae Variant Classification Sherloc (09022015). Collection method: clinical testing. Allele origin: germline.
Comment: This sequence change replaces serine, which is neutral and polar, with arginine, which is basic and polar, at codon 107 of the HOXA13 protein (p.Ser107Arg). The frequency data for this variant in the population databases is considered unreliable, as metrics indicate insufficient coverage at this position in the gnomAD database. This variant has not been reported in the literature in individuals affected with HOXA13-related conditions. Experimental studies and prediction algorithms are not available or were not evaluated, and the functional significance of this variant is currently unknown. In summary, the available evidence is currently insufficient to determine the role of this variant in disease. Therefore, it has been classified as a Variant of Uncertain Significance.

NM_000522.5(HOXA13):c.319A>C (p.Ser107Arg)

Genes: HOXA13 (homeobox A13; minus strand), LOC107126288 (NUP98-HOXA13 recombination region; plus strand). Cytogenetic location: 7p15.2.
Variant type: single nucleotide variant.
Coding change: c.319A>C on transcript NM_000522.5 (MANE Select); coding-DNA position 319, A replaced by C.
Protein change: p.Ser107Arg; replaces serine 107 with arginine.
Molecular consequence: missense variant.
Genome position (GRCh38, 1-based): chr7:27,199,759, T>G on the plus strand (A>C on the coding strand, the complement: HOXA13 is on the minus strand). VCF-style: chr7-27199759-T-G. GRCh37 (hg19) VCF-style: chr7-27239378-T-G.
Other names: short protein forms S107R.
Identifiers: ClinVar variation 3662566 (VCV003662566.2).